The following is an entry in ClinVar:

ClinVar aggregate classification (germline): Conflicting classifications of pathogenicity. Review status: criteria provided, conflicting classifications (1 of 4 stars). 3 submissions from 3 submitters: Uncertain significance (2); Likely benign (1). Last evaluated 2025-11-18.

Conditions:
Progressive familial heart block type IB (PFHB1B). Identifiers: Orphanet 871, MedGen C1970298, MONDO:0011474, OMIM 604559.
Cardiovascular phenotype. Identifiers: MedGen CN230736.

Allele frequency attached by ClinVar (database versions not stated): gnomAD exomes 0.00001 and 0.00003; ExAC 0.00003; gnomAD 0.00015 and 0.00018; TOPMed 0.00021; ESP Exome Variant Server 0.00046.
gnomAD v4.1: 39 of 1,614,068 alleles (0.0024%); highest among the groups gnomAD compares: African/African-American, 0.049%; no homozygotes.

Submissions (3):

Labcorp Genetics (formerly Invitae), Labcorp
Classification: Uncertain significance for Progressive familial heart block type IB. Last evaluated: 2025-11-18. Review status: criteria provided, single submitter. Criteria: Invitae Variant Classification Sherloc (09022015). Collection method: clinical testing. Allele origin: germline.
Comment: This sequence change replaces leucine, which is neutral and non-polar, with valine, which is neutral and non-polar, at codon 595 of the TRPM4 protein (p.Leu595Val). This variant is present in population databases (rs144812913, gnomAD 0.04%). This missense change has been observed in individual(s) with sudden death (PMID: 30391667). ClinVar contains an entry for this variant (Variation ID: 665736). An algorithm developed to predict the effect of missense changes on protein structure and function (PolyPhen-2) suggests that this variant is likely to be tolerated. Experimental studies have shown that this missense change affects TRPM4 function (PMID: 30391667). In summary, the available evidence is currently insufficient to determine the role of this variant in disease. Therefore, it has been classified as a Variant of Uncertain Significance.

Ambry Genetics
Classification: Likely benign for Cardiovascular phenotype. Last evaluated: 2023-12-08. Review status: criteria provided, single submitter. Criteria: Ambry Variant Classification Scheme 2023. Collection method: clinical testing. Allele origin: germline.

GeneDx
Classification: Uncertain significance. Last evaluated: 2020-10-19. Review status: criteria provided, single submitter. Criteria: GeneDx Variant Classification Process June 2021. Collection method: clinical testing. Allele origin: germline. Affected: yes.
Comment: Observed in a child with sudden cardiac death (SUbbotina et al., 2018); Reported in ClinVar but additional evidence is not available (ClinVar Variant ID #665736; Landrum et al., 2016); In silico analysis supports that this missense variant does not alter protein structure/function; Published in vitro functional studies suggest that this variant may impair channel function (Subbotina et al., 2018); nevertheless, it is unclear how these studies may translate to a pathogenic role in vivo; This variant is associated with the following publications: (PMID: 30391667)

Literature cited by the submitters: PubMed 30391667 (cited by Labcorp Genetics (formerly Invitae), Labcorp and Ambry Genetics).

NM_017636.4(TRPM4):c.1783C>G (p.Leu595Val)

Gene: TRPM4 (transient receptor potential cation channel subfamily M member 4; plus strand). Cytogenetic location: 19q13.33.
Variant type: single nucleotide variant.
Coding change: c.1783C>G on transcript NM_017636.4 (MANE Select); coding-DNA position 1783, C replaced by G.
Protein change: p.Leu595Val; replaces leucine 595 with valine.
Molecular consequence: missense variant.
Genome position (GRCh38, 1-based): chr19:49,188,680, C>G. VCF-style: chr19-49188680-C-G. GRCh37 (hg19) VCF-style: chr19-49691937-C-G.
Other names: c.1783C>G, p.Leu595Val (NM_001195227.2); c.1438C>G, p.Leu480Val (NM_001321281.2); c.175C>G, p.Leu59Val (NM_001321282.2); c.1261C>G, p.Leu421Val (NM_001321283.2); c.721C>G, p.Leu241Val (NM_001321285.2); short protein forms L480V, L241V, L59V, L421V, L595V.
Identifiers: ClinVar variation 665736 (VCV000665736.12), dbSNP rs144812913, ClinGen allele CA9569322.
Genomic context (GRCh38, chr19:49,188,680, plus strand): 5'-GTGCCCTCTTTGTCTCTCCAGGGTTCCAATGCAGTTTCCTCAGCTCTTGGGGCCTGTTTG[C>G]TGCTCCGGGTGATGGCACGCCTGGAGCCTGACGCTGAGGAGGCAGCACGGAGGAAAGACC-3'
Protein context (NP_060106.2, residues 585-605): AVSSALGACL[Leu595Val]LRVMARLEPD